The following is an entry in ClinVar:

NM_001244710.2(GFPT1):c.*4059A>G

Gene: GFPT1 (glutamine--fructose-6-phosphate transaminase 1; minus strand). Cytogenetic location: 2p13.3.
Variant type: single nucleotide variant.
Coding change: c.*4059A>G on transcript NM_001244710.2 (MANE Select); 4059 bases downstream of the stop codon, A replaced by G.
Molecular consequence: 3 prime UTR variant.
Genome position (GRCh38, 1-based): chr2:69,322,130, T>C on the plus strand (A>G on the coding strand, the complement: GFPT1 is on the minus strand). VCF-style: chr2-69322130-T-C. GRCh37 (hg19) VCF-style: chr2-69549262-T-C.
Other names: c.*4059A>G (NM_002056.4).
Identifiers: ClinVar variation 336807 (VCV000336807.6), dbSNP rs13751, ClinGen allele CA10614291.

ClinVar aggregate classification (germline): Benign. Review status: criteria provided, multiple submitters, no conflicts (2 of 4 stars). 2 submissions from 2 submitters: Benign (2). Last evaluated 2018-01-13.

Conditions:
Congenital myasthenic syndrome 12 (CMS12). Also called: MYASTHENIC SYNDROME, CONGENITAL, WITH TUBULAR AGGREGATES 1; Myasthenia, congenital, 12, with tubular aggregates. Identifiers: Orphanet 353327, Orphanet 590, MedGen C3552335, MONDO:0012518, OMIM 610542.

Allele frequency attached by ClinVar (database versions not stated): 1000 Genomes Project 0.64756; gnomAD 0.65209 and 0.65899; 1000 Genomes Project 30x 0.65428; TOPMed 0.65877.

Submissions (2):

Illumina Laboratory Services, Illumina
Classification: Benign for Congenital myasthenic syndrome 12. Last evaluated: 2018-01-13. Review status: criteria provided, single submitter. Criteria: ICSL Variant Classification Criteria 13 December 2019. Collection method: clinical testing. Allele origin: germline.
Comment: This variant was observed in the ICSL laboratory as part of a predisposition screen in an ostensibly healthy population. It had not been previously curated by ICSL or reported in the Human Gene Mutation Database (HGMD: prior to June 1st, 2018), and was therefore a candidate for classification through an automated scoring system. Utilizing variant allele frequency, disease prevalence and penetrance estimates, and inheritance mode, an automated score was calculated to assess if this variant is too frequent to cause the disease. Based on the score and internal cut-off values, a variant classified as benign is not then subjected to further curation. The score for this variant resulted in a classification of benign for this disease.

Breakthrough Genomics
Classification: Benign. Review status: criteria provided, single submitter. Criteria: ACMG Guidelines, 2015. Collection method: not provided. Allele origin: germline. Inheritance: Autosomal recessive inheritance. Affected: yes.